The following is an entry in ClinVar:

ClinVar aggregate classification (germline): Conflicting classifications of pathogenicity. Review status: criteria provided, conflicting classifications (1 of 4 stars). 3 submissions from 3 submitters: Likely pathogenic (1); Uncertain significance (2). Last evaluated 2024-11-24.

Conditions:
Progressive sclerosing poliodystrophy (MTDPS4A). Also called: ALPERS DIFFUSE DEGENERATION OF CEREBRAL GRAY MATTER WITH HEPATIC CIRRHOSIS; Alpers-Huttenlocher Syndrome; ALPERS PROGRESSIVE INFANTILE POLIODYSTROPHY; NEURONAL DEGENERATION OF CHILDHOOD WITH LIVER DISEASE, PROGRESSIVE; Mitochondrial DNA Depletion Syndrome 4A; Alpers-Huttenlocher Syndrome (AHS). Identifiers: Orphanet 726, MedGen C0205710, MONDO:0008758, OMIM 203700.

Allele frequency attached by ClinVar (database versions not stated): gnomAD exomes below 0.00001 and 0.00001; ExAC 0.00001; TOPMed 0.00001; gnomAD 0.00002.
gnomAD v4.1: 10 of 1,612,720 alleles (0.00062%); highest among the groups gnomAD compares: African/African-American, 0.012%; no homozygotes.

Submissions (3):

Labcorp Genetics (formerly Invitae), Labcorp
Classification: Uncertain significance for Progressive sclerosing poliodystrophy. Last evaluated: 2024-11-24. Review status: criteria provided, single submitter. Criteria: Invitae Variant Classification Sherloc (09022015). Collection method: clinical testing. Allele origin: germline.
Comment: This sequence change replaces leucine, which is neutral and non-polar, with tryptophan, which is neutral and slightly polar, at codon 623 of the POLG protein (p.Leu623Trp). This variant is present in population databases (rs758438414, gnomAD 0.02%). This missense change has been observed in individual(s) with clinical features of POLG-related conditions (PMID: 19195941, 29655203). ClinVar contains an entry for this variant (Variation ID: 206603). Invitae Evidence Modeling of protein sequence and biophysical properties (such as structural, functional, and spatial information, amino acid conservation, physicochemical variation, residue mobility, and thermodynamic stability) indicates that this missense variant is expected to disrupt POLG protein function with a positive predictive value of 95%. In summary, the available evidence is currently insufficient to determine the role of this variant in disease. Therefore, it has been classified as a Variant of Uncertain Significance.

Baylor Genetics
Classification: Uncertain significance for Progressive sclerosing poliodystrophy. Last evaluated: 2018-01-29. Review status: criteria provided, single submitter. Criteria: ACMG Guidelines, 2015. Collection method: clinical testing. Allele origin: unknown. Affected: yes.
Comment: This variant was determined to be of uncertain significance according to ACMG Guidelines, 2015 [PMID:25741868].

GeneDx
Classification: Likely pathogenic. Last evaluated: 2017-04-07. Review status: criteria provided, single submitter. Criteria: GeneDx Variant Classification (06012015). Collection method: clinical testing. Allele origin: germline. Affected: yes.
Comment: A published L623W variant that is likely pathogenic has been identified in the POLG gene. The L623W variant has been reported previously in an individual with mitochondrial DNA depletion who also had a second POLG variant on the other allele (Bortot et al., 2009). It was not observed in approximately 6,500 individuals of European and African American ancestry in the NHLBI Exome Sequencing Project, indicating it is not a common benign variant in these populations. The L623W variant is a semi-conservative amino acid substitution, which may impact secondary protein structure as these residues differ in some properties. This substitution occurs at a position that is conserved across species, and multiple missense variants in nearby residues have been reported in association with POLG-related disorders (Stenson et al., 2014; Human DNA Polymerase Gamma Mutation Database), supporting the functional importance of this region of the protein. In silico analysis predicts this variant is probably damaging to the protein structure/function. Therefore, this variant is likely pathogenic; however, the possibility that it is benign cannot be excluded.

Literature cited by the submitters: PubMed 19195941 (cited by Labcorp Genetics (formerly Invitae), Labcorp); PubMed 29655203 (cited by Labcorp Genetics (formerly Invitae), Labcorp).

NM_002693.3(POLG):c.1868T>G (p.Leu623Trp)

Gene: POLG (DNA polymerase gamma, catalytic subunit; minus strand). Cytogenetic location: 15q26.1.
Variant type: single nucleotide variant.
Coding change: c.1868T>G on transcript NM_002693.3 (MANE Select); coding-DNA position 1868, T replaced by G.
Protein change: p.Leu623Trp; replaces leucine 623 with tryptophan.
Molecular consequence: missense variant.
Genome position (GRCh38, 1-based): chr15:89,325,531, A>C on the plus strand (T>G on the coding strand, the complement: POLG is on the minus strand). VCF-style: chr15-89325531-A-C. GRCh37 (hg19) VCF-style: chr15-89868762-A-C.
Other names: p.L623W:TTG>TGG; c.1868T>G, p.Leu623Trp (NM_001126131.2); short protein forms L623W.
Identifiers: ClinVar variation 206603 (VCV000206603.8), dbSNP rs758438414, ClinGen allele CA316848.